The following is an entry in ClinVar:

NM_001127217.3(SMAD9):c.1321C>T (p.His441Tyr)

Gene: SMAD9 (SMAD family member 9; minus strand). Cytogenetic location: 13q13.3.
Variant type: single nucleotide variant.
Coding change: c.1321C>T on transcript NM_001127217.3 (MANE Select); coding-DNA position 1321, C replaced by T.
Protein change: p.His441Tyr; replaces histidine 441 with tyrosine.
Molecular consequence: missense variant.
Genome position (GRCh38, 1-based): chr13:36,848,759, G>A on the plus strand (C>T on the coding strand, the complement: SMAD9 is on the minus strand). VCF-style: chr13-36848759-G-A. GRCh37 (hg19) VCF-style: chr13-37422896-G-A.
Other names: c.1210C>T, p.His404Tyr (NM_001378621.1, NM_005905.6); short protein forms H441Y, H404Y.
Identifiers: ClinVar variation 3575888 (VCV003575888.2).

ClinVar aggregate classification (germline): Uncertain significance. Review status: criteria provided, multiple submitters, no conflicts (2 of 4 stars). 2 submissions from 2 submitters: Uncertain significance (2). Last evaluated 2025-08-11.

Conditions:
Pulmonary hypertension, primary, 2. Identifiers: Orphanet 422, MedGen C3888002, MONDO:0014134, OMIM 615342.

gnomAD v4.1: 10 of 1,613,924 alleles (0.00062%); highest among the groups gnomAD compares: Admixed American, 0.0033%; no homozygotes.

Submissions (2):

Labcorp Genetics (formerly Invitae), Labcorp
Classification: Uncertain significance for Pulmonary hypertension, primary, 2. Last evaluated: 2025-08-11. Review status: criteria provided, single submitter. Criteria: Invitae Variant Classification Sherloc (09022015). Collection method: clinical testing. Allele origin: germline.
Comment: This sequence change replaces histidine, which is basic and polar, with tyrosine, which is neutral and polar, at codon 441 of the SMAD9 protein (p.His441Tyr). This variant is present in population databases (no rsID available, gnomAD 0.0009%). This missense change has been observed in individual(s) with pulmonary hypertension (PMID: 31727138). ClinVar contains an entry for this variant (Variation ID: 3575888). Invitae Evidence Modeling of protein sequence and biophysical properties (such as structural, functional, and spatial information, amino acid conservation, physicochemical variation, residue mobility, and thermodynamic stability) indicates that this missense variant is not expected to disrupt SMAD9 protein function with a negative predictive value of 80%. In summary, the available evidence is currently insufficient to determine the role of this variant in disease. Therefore, it has been classified as a Variant of Uncertain Significance.

Fulgent Genetics
Classification: Uncertain significance for Pulmonary hypertension, primary, 2. Last evaluated: 2024-05-20. Review status: criteria provided, single submitter. Criteria: ACMG Guidelines, 2015. Collection method: clinical testing. Allele origin: germline.

Literature cited by the submitters: PubMed 31727138 (cited by Labcorp Genetics (formerly Invitae), Labcorp).